The following is an entry in ClinVar:

NM_007363.5(NONO):c.90GCA[3] (p.Gln35_Pro36insGln)

Gene: NONO (non-POU domain containing octamer binding; plus strand). Cytogenetic location: Xq13.1.
Variant type: Microsatellite.
Coding change: c.90GCA[3] on transcript NM_007363.5 (MANE Select); three copies in a row of the 3-base unit GCA starting at c.90; the reference has two copies in a row; one copy, 3 bases duplicated; also written c.93_95dup.
Protein change: p.Gln35_Pro36insGln.
Molecular consequence: inframe insertion. On other transcripts: intron variant (1).
Genome position (GRCh38, 1-based): chrX:71,290,730-71,290,732, GCA duplicated; duplicating any 3 consecutive bases within chrX:71,290,725-71,290,732 gives the same sequence; the position shown is the placement nearest the transcript's 3' end. VCF-style (leftmost placement, unchanged base first): chrX-71290724-C-CCAG. GRCh37 (hg19) VCF-style: chrX-70510574-C-CCAG.
Other names: c.90GCA[3], p.Gln35_Pro36insGln (NM_001145408.2, NM_001145409.2); c.-113-1054CAG[3] (NM_001145410.2); c.93_95dup (NM_007363.5).
Identifiers: ClinVar variation 4884032 (VCV004884032.2).

ClinVar aggregate classification (germline): Uncertain significance (1 of 4 stars; one submission).

Conditions:
Intellectual developmental disorder, X-linked, syndromic 34. Also called: MENTAL RETARDATION, X-LINKED, SYNDROMIC, MIRCSOF-LANGOUET TYPE; Syndromic X-linked intellectual disability 34. Identifiers: Orphanet 466791, MedGen C4225417, MONDO:0010501, OMIM 300967.

Submission:

Dasa
Classification: Uncertain significance for Intellectual developmental disorder, X-linked, syndromic 34. Last evaluated: 2025-02-10. Review status: criteria provided, single submitter. Criteria: DASA Assertion Criteria. Collection method: clinical testing. Allele origin: germline.
Comment: NM_007363.5(NONO):c.93_95dup (p.Gln35dup) is an in-frame duplication predicted to duplicate glutamine at protein position 35 without shifting the reading frame. This variant is absent from population databases. The currently available literature and clinical evidence are not sufficient to establish a definitive association between this variant and the reported condition. Therefore, this variant is classified as a variant of uncertain significance.